The following is an entry in ClinVar:

NM_005996.4(TBX3):c.1745C>T (p.Pro582Leu)

Gene: TBX3 (T-box transcription factor 3; minus strand). Cytogenetic location: 12q24.21.
Variant type: single nucleotide variant.
Coding change: c.1745C>T on transcript NM_005996.4 (MANE Select); coding-DNA position 1745, C replaced by T.
Protein change: p.Pro582Leu; replaces proline 582 with leucine.
Molecular consequence: missense variant.
Genome position (GRCh38, 1-based): chr12:114,672,268, G>A on the plus strand (C>T on the coding strand, the complement: TBX3 is on the minus strand). VCF-style: chr12-114672268-G-A. GRCh37 (hg19) VCF-style: chr12-115110073-G-A.
Other names: c.1805C>T, p.Pro602Leu (NM_016569.4); short protein forms P602L, P582L.
Identifiers: ClinVar variation 5001261 (VCV005001261.1).
Genomic context (GRCh38, chr12:114,672,268, plus strand): 5'-GAGCTGGAGGCTGCCGCAGAGGAGGCGGCCGCCGCTGCGGCCATGTACGTGTAGGGGTAA[G>A]GGAACAGGCTTCCGAAAGGGGACATGGCCAGGCCCTGGGGTGAGAAAAGAGACACACAGC-3'
Protein context (NP_005987.3, residues 572-592): LAMSPFGSLF[Pro582Leu]YPYTYMAAAA

ClinVar aggregate classification (germline): Uncertain significance (1 of 4 stars; one submission).

Conditions:
TBX3-related disorder. Also called: TBX3-related condition.

gnomAD v4.1: 2 of 1,575,846 alleles (0.00013%); highest among the groups gnomAD compares: Non-Finnish European, 0.00017%; no homozygotes.

Submission:

PreventionGenetics, part of Exact Sciences
Classification: Uncertain significance for TBX3-related condition. Last evaluated: 2024-10-26. Review status: criteria provided, single submitter. Criteria: ACMG Guidelines, 2015. Collection method: clinical testing. Allele origin: germline.
Comment: The TBX3 c.1805C>T variant is predicted to result in the amino acid substitution p.Pro602Leu. To our knowledge, this variant has not been reported in the literature. This variant is reported in 0.0% of alleles in individuals of African descent in gnomAD. At this time, the clinical significance of this variant is uncertain due to the absence of conclusive functional and genetic evidence.